The following is an entry in ClinVar:

NC_000022.10:g.(?_32179873)_(32179991_?)del

Gene: DEPDC5 (DEP domain containing 5, GATOR1 subcomplex subunit; plus strand). Cytogenetic location: 22q12.2.
Variant type: Deletion.
Identifiers: ClinVar variation 1069167 (VCV001069167.5).

ClinVar aggregate classification (germline): Pathogenic (1 of 4 stars; one submission).

Conditions:
Familial focal epilepsy with variable foci (FPEVF). Identifiers: Orphanet 98820, MedGen C1858477, MONDO:0020310.

Submission:

Labcorp Genetics (formerly Invitae), Labcorp
Classification: Pathogenic for Familial focal epilepsy with variable foci. Last evaluated: 2020-10-26. Review status: criteria provided, single submitter. Criteria: Invitae Variant Classification Sherloc (09022015). Collection method: clinical testing. Allele origin: germline.
Comment: For these reasons, this variant has been classified as Pathogenic. Loss-of-function variants in DEPDC5 are known to be pathogenic (PMID: 23542697, 23542701). This variant has not been reported in the literature in individuals with DEPDC5-related conditions. This variant is an out-of-frame deletion of the genomic region encompassing exon(s) 9 of the DEPDC5 gene. This is expected to create a premature translational stop signal and result in an absent or disrupted protein product.

Literature cited by the submitters: PubMed 23542697; PubMed 23542701.